The following is an entry in ClinVar:

NM_001130144.3(LTBP3):c.1400A>G (p.His467Arg)

Gene: LTBP3 (latent transforming growth factor beta binding protein 3; minus strand). Cytogenetic location: 11q13.1.
Variant type: single nucleotide variant.
Coding change: c.1400A>G on transcript NM_001130144.3 (MANE Select); coding-DNA position 1400, A replaced by G.
Protein change: p.His467Arg; replaces histidine 467 with arginine.
Molecular consequence: missense variant.
Genome position (GRCh38, 1-based): chr11:65,552,103, T>C on the plus strand (A>G on the coding strand, the complement: LTBP3 is on the minus strand). VCF-style: chr11-65552103-T-C. GRCh37 (hg19) VCF-style: chr11-65319574-T-C.
Other names: c.1049A>G, p.His350Arg (NM_001164266.1); c.1400A>G, p.His467Arg (NM_021070.4); short protein forms H467R, H350R.
Identifiers: ClinVar variation 2084615 (VCV002084615.2), dbSNP rs200740306, ClinGen allele CA223968895.

ClinVar aggregate classification (germline): Uncertain significance. Review status: criteria provided, multiple submitters, no conflicts (2 of 4 stars). 2 submissions from 2 submitters: Uncertain significance (2). Last evaluated 2024-04-15.

Conditions:
Brachyolmia-amelogenesis imperfecta syndrome. Also called: Tooth agenesis, selective, 6; Dental anomalies and short stature; PLATYSPONDYLY WITH AMELOGENESIS IMPERFECTA. Identifiers: Orphanet 2899, MedGen C1832594, MONDO:0011018, OMIM 601216. Disease mechanism: loss of function.

Allele frequency attached by ClinVar (database versions not stated): gnomAD exomes below 0.00001.

Submissions (2):

Blueprint Genetics
Classification: Uncertain significance. Last evaluated: 2024-04-15. Review status: criteria provided, single submitter. Criteria: ACMG Guidelines, 2015. Collection method: clinical testing. Allele origin: germline.

Labcorp Genetics (formerly Invitae), Labcorp
Classification: Uncertain significance for Brachyolmia-amelogenesis imperfecta syndrome. Last evaluated: 2022-09-12. Review status: criteria provided, single submitter. Criteria: Invitae Variant Classification Sherloc (09022015). Collection method: clinical testing. Allele origin: germline.
Comment: This sequence change replaces histidine, which is basic and polar, with arginine, which is basic and polar, at codon 467 of the LTBP3 protein (p.His467Arg). This variant is not present in population databases (gnomAD no frequency). This variant has not been reported in the literature in individuals affected with LTBP3-related conditions. Algorithms developed to predict the effect of missense changes on protein structure and function (SIFT, PolyPhen-2, Align-GVGD) all suggest that this variant is likely to be tolerated. In summary, the available evidence is currently insufficient to determine the role of this variant in disease. Therefore, it has been classified as a Variant of Uncertain Significance.